The following is an entry in ClinVar:

NM_002890.3(RASA1):c.2625del (p.Cys876fs)

Genes: CCNH (cyclin H; minus strand), RASA1 (RAS p21 protein activator 1; plus strand). Cytogenetic location: 5q14.3.
Variant type: Deletion.
Coding change: c.2625del on transcript NM_002890.3 (MANE Select); coding-DNA position 2625, one base deleted (G; older notation c.2625delG).
Protein change: p.Cys876fs; shifts the reading frame from cysteine 876.
Molecular consequence: frameshift variant. On other transcripts: intron variant (1).
Genome position (GRCh38, 1-based): chr5:87,380,530, G deleted; the last of 3 consecutive G bases (chr5:87,380,528-87,380,530); deleting any one gives the same sequence. VCF-style (leftmost placement, unchanged base first): chr5-87380527-TG-T. GRCh37 (hg19) VCF-style: chr5-86676344-TG-T.
Other names: c.2094del, p.Cys699fs (NM_022650.3); c.933+14516del (NM_001364075.2); short protein forms C876fs, C699fs.
Identifiers: ClinVar variation 2024233 (VCV002024233.4), dbSNP rs2531362861, ClinGen allele CA2580073682.
Genomic context (GRCh38, chr5:87,380,527, plus strand): 5'-TCACTTGCTTTCTGTGTTGAGATGATTGTGTTATTTTGGCAGGACATTGAGATATATTTA[TG>T]GGTGTTTACAGAAATCTGTTCAGCATAAGTGGCCTACAAATACCACCATGAGAACAAGAG-3'

ClinVar aggregate classification (germline): Pathogenic (1 of 4 stars; one submission).

Conditions:
Capillary malformation-arteriovenous malformation syndrome. Also called: Capillary malformation-arteriovenous malformation. Identifiers: Orphanet 137667, MedGen C1842180, MONDO:0012016.

Submission:

Labcorp Genetics (formerly Invitae), Labcorp
Classification: Pathogenic for Capillary malformation-arteriovenous malformation syndrome. Last evaluated: 2022-08-15. Review status: criteria provided, single submitter. Criteria: Invitae Variant Classification Sherloc (09022015). Collection method: clinical testing. Allele origin: germline.
Comment: This variant is not present in population databases (gnomAD no frequency). For these reasons, this variant has been classified as Pathogenic. Algorithms developed to predict the effect of sequence changes on RNA splicing suggest that this variant may create or strengthen a splice site. This variant has not been reported in the literature in individuals affected with RASA1-related conditions. This sequence change creates a premature translational stop signal (p.Cys876Valfs*16) in the RASA1 gene. It is expected to result in an absent or disrupted protein product. Loss-of-function variants in RASA1 are known to be pathogenic (PMID: 24038909).

Literature cited by the submitters: PubMed 24038909.